The following is an entry in ClinVar:

ClinVar aggregate classification (germline): Uncertain significance (1 of 4 stars; one submission).

Conditions:
DICER1-related tumor predisposition. Also called: DICER1-related pleuropulmonary blastoma cancer predisposition syndrome; DICER1 syndrome. Identifiers: Orphanet 284343, MedGen C3839822, MONDO:0100216.

Allele frequency attached by ClinVar (database versions not stated): gnomAD exomes below 0.00001.
gnomAD v4.1: 1 of 1,592,724 alleles (0.000063%); highest among the groups gnomAD compares: Non-Finnish European, 0.000086%; no homozygotes.

Submission:

Labcorp Genetics (formerly Invitae), Labcorp
Classification: Uncertain significance for DICER1-related tumor predisposition. Last evaluated: 2025-03-03. Review status: criteria provided, single submitter. Criteria: Invitae Variant Classification Sherloc (09022015). Collection method: clinical testing. Allele origin: germline.
Comment: This sequence change replaces threonine, which is neutral and polar, with arginine, which is basic and polar, at codon 915 of the DICER1 protein (p.Thr915Arg). This variant is not present in population databases (gnomAD no frequency). This variant has not been reported in the literature in individuals affected with DICER1-related conditions. ClinVar contains an entry for this variant (Variation ID: 2770206). Invitae Evidence Modeling of protein sequence and biophysical properties (such as structural, functional, and spatial information, amino acid conservation, physicochemical variation, residue mobility, and thermodynamic stability) indicates that this missense variant is not expected to disrupt DICER1 protein function with a negative predictive value of 95%. In summary, the available evidence is currently insufficient to determine the role of this variant in disease. Therefore, it has been classified as a Variant of Uncertain Significance.

NM_177438.3(DICER1):c.2744C>G (p.Thr915Arg)

Gene: DICER1 (dicer 1, ribonuclease III; minus strand). Cytogenetic location: 14q32.13.
Variant type: single nucleotide variant.
Coding change: c.2744C>G on transcript NM_177438.3 (MANE Select); coding-DNA position 2744, C replaced by G.
Protein change: p.Thr915Arg; replaces threonine 915 with arginine.
Molecular consequence: missense variant. On other transcripts: non-coding transcript variant (6).
Genome position (GRCh38, 1-based): chr14:95,107,668, G>C on the plus strand (C>G on the coding strand, the complement: DICER1 is on the minus strand). VCF-style: chr14-95107668-G-C. GRCh37 (hg19) VCF-style: chr14-95574005-G-C.
Other names: c.2744C>G, p.Thr915Arg (NM_001195573.1, NM_001271282.3, NM_001291628.2 and 13 more transcripts); c.2462C>G, p.Thr821Arg (NM_001395686.1); c.2339C>G, p.Thr780Arg (NM_001395687.1, NM_001395688.1, NM_001395689.1 and 2 more transcripts); c.2177C>G, p.Thr726Arg (NM_001395691.1); c.1061C>G, p.Thr354Arg (NM_001395697.1); short protein forms T915R, T354R, T726R, T821R, T780R.
Identifiers: ClinVar variation 2770206 (VCV002770206.3), dbSNP rs2140019117, ClinGen allele CA390879534.